The following is an entry in ClinVar:

NM_000548.5(TSC2):c.2228G>A (p.Gly743Asp)

Gene: TSC2 (TSC complex subunit 2; plus strand). Cytogenetic location: 16p13.3.
Variant type: single nucleotide variant.
Coding change: c.2228G>A on transcript NM_000548.5 (MANE Select); coding-DNA position 2228, G replaced by A.
Protein change: p.Gly743Asp; replaces glycine 743 with aspartic acid.
Molecular consequence: missense variant. On other transcripts: non-coding transcript variant (5).
Genome position (GRCh38, 1-based): chr16:2,072,856, G>A. VCF-style: chr16-2072856-G-A. GRCh37 (hg19) VCF-style: chr16-2122857-G-A.
Other names: c.884G>A, p.Gly295Asp (NM_001406697.1, NM_001406689.1, NM_001406690.1 and 6 more transcripts); c.626G>A, p.Gly209Asp (NM_001406698.1); c.2228G>A, p.Gly743Asp (NM_021055.3, NM_001406664.1, NM_001406665.1 and 6 more transcripts); c.2318G>A, p.Gly773Asp (NM_001406667.1, NM_001406668.1); c.2117G>A, p.Gly706Asp (NM_001406670.1, NM_001318827.2, NM_001406678.1); c.2216G>A, p.Gly739Asp (NM_001406671.1, NM_001406673.1); c.2081G>A, p.Gly694Asp (NM_001406675.1, NM_001406676.1, NM_001318829.2 and 1 more transcripts); c.2171G>A, p.Gly724Asp (NM_001406677.1); and 3 more; short protein forms G209D, G694D, G724D, G739D, G543D, G589D, G743D, G295D.
Identifiers: ClinVar variation 2991338 (VCV002991338.3), dbSNP rs2151326174, ClinGen allele CA394276203.

ClinVar aggregate classification (germline): Uncertain significance (1 of 4 stars; one submission).

Conditions:
Tuberous sclerosis 2 (TSC2). Identifiers: Orphanet 805, MedGen C1860707, MONDO:0013199, OMIM 613254.

Submission:

Labcorp Genetics (formerly Invitae), Labcorp
Classification: Uncertain significance for Tuberous sclerosis 2. Last evaluated: 2023-03-29. Review status: criteria provided, single submitter. Criteria: Invitae Variant Classification Sherloc (09022015). Collection method: clinical testing. Allele origin: germline.
Comment: This sequence change replaces glycine, which is neutral and non-polar, with aspartic acid, which is acidic and polar, at codon 743 of the TSC2 protein (p.Gly743Asp). This variant is not present in population databases (gnomAD no frequency). This variant has not been reported in the literature in individuals affected with TSC2-related conditions. Advanced modeling of protein sequence and biophysical properties (such as structural, functional, and spatial information, amino acid conservation, physicochemical variation, residue mobility, and thermodynamic stability) performed at Invitae indicates that this missense variant is not expected to disrupt TSC2 protein function. In summary, the available evidence is currently insufficient to determine the role of this variant in disease. Therefore, it has been classified as a Variant of Uncertain Significance.